The following is an entry in ClinVar:

NM_001105206.3(LAMA4):c.2214C>T (p.Thr738=)

Gene: LAMA4 (laminin subunit alpha 4; minus strand). Cytogenetic location: 6q21.
Variant type: single nucleotide variant.
Coding change: c.2214C>T on transcript NM_001105206.3 (MANE Select); coding-DNA position 2214, C replaced by T.
Protein change: p.Thr738=; no amino-acid change (threonine 738 retained).
Molecular consequence: synonymous variant.
Genome position (GRCh38, 1-based): chr6:112,148,296, G>A on the plus strand (C>T on the coding strand, the complement: LAMA4 is on the minus strand). VCF-style: chr6-112148296-G-A. GRCh37 (hg19) VCF-style: chr6-112469498-G-A.
Other names: c.2193C>T, p.Thr731= (NM_001105207.3, NM_002290.5); c.2193C>T (NM_002290.3).
Identifiers: ClinVar variation 518373 (VCV000518373.13), dbSNP rs782058486, ClinGen allele CA3965533.

ClinVar aggregate classification (germline): Conflicting classifications of pathogenicity. Review status: criteria provided, conflicting classifications (1 of 4 stars). 7 submissions from 7 submitters: Uncertain significance (1); Benign (2); Likely benign (3). 1 of the submissions does not count toward it. Last evaluated 2026-04-17.

Conditions:
Dilated cardiomyopathy 1JJ (CMD1JJ). Identifiers: Orphanet 154, MedGen C3808935, MONDO:0014095, OMIM 615235.
Cardiovascular phenotype. Identifiers: MedGen CN230736.

Allele frequency attached by ClinVar (database versions not stated): gnomAD exomes 0.00004 and 0.00005; gnomAD 0.00005; TOPMed 0.00006; ExAC 0.00007.
gnomAD v4.1: 68 of 1,614,146 alleles (0.0042%); highest among the groups gnomAD compares: Middle Eastern, 0.049%; no homozygotes.

Submissions (7):

Women's Health and Genetics/Laboratory Corporation of America, LabCorp
Classification: Benign. Last evaluated: 2026-04-17. Review status: criteria provided, single submitter. Criteria: LabCorp Variant Classification Summary - May 2015. Collection method: clinical testing. Allele origin: germline.

Labcorp Genetics (formerly Invitae), Labcorp
Classification: Likely benign for Dilated cardiomyopathy 1JJ. Last evaluated: 2026-01-14. Review status: criteria provided, single submitter. Criteria: Invitae Variant Classification Sherloc (09022015). Collection method: clinical testing. Allele origin: germline.

Ambry Genetics
Classification: Uncertain significance for Cardiovascular phenotype. Last evaluated: 2025-08-18. Review status: criteria provided, single submitter. Criteria: Ambry Variant Classification Scheme 2023. Collection method: clinical testing. Allele origin: germline.
Comment: The c.2193C>T variant (also known as p.T731T), located in coding exon 17 of the LAMA4 gene, results from a C to T substitution at nucleotide position 2193. This nucleotide substitution does not change the amino acid codon 731. This nucleotide position is poorly conserved in available vertebrate species. In silico splice site analysis for this alteration is inconclusive. The evidence for this gene-disease relationship is limited; therefore, the clinical significance of this alteration is unclear.

Blueprint Genetics
Classification: Likely benign. Last evaluated: 2024-06-27. Review status: criteria provided, single submitter. Criteria: ACMG Guidelines, 2015. Collection method: clinical testing. Allele origin: germline.

Genome-Nilou Lab
Classification: Benign for Dilated cardiomyopathy 1JJ. Last evaluated: 2021-08-19. Review status: criteria provided, single submitter. Criteria: ACMG Guidelines, 2015. Collection method: clinical testing. Allele origin: germline. Affected: no.

Clinical Genetics DNA and cytogenetics Diagnostics Lab, Erasmus MC, Erasmus Medical Center
Classification: Likely benign for Dilated cardiomyopathy 1JJ. Last evaluated: 2015-09-21. Review status: criteria provided, single submitter. Criteria: ACGS Guidelines, 2013. Collection method: clinical testing. Allele origin: germline. Affected: yes. Study: VKGL Data-share Consensus.

Diagnostic Laboratory, Department of Genetics, University Medical Center Groningen
Classification: Likely benign for Dilated cardiomyopathy 1JJ. Review status: no assertion criteria provided. Collection method: clinical testing. Allele origin: germline. Affected: yes. Study: VKGL Data-share Consensus. Not counted in ClinVar's aggregate classification.